The following is an entry in ClinVar:

NM_000195.5(HPS1):c.1438G>A (p.Ala480Thr)

Gene: HPS1 (HPS1 biogenesis of lysosomal organelles complex 3 subunit 1; minus strand). Cytogenetic location: 10q24.2.
Variant type: single nucleotide variant.
Coding change: c.1438G>A on transcript NM_000195.5 (MANE Select); coding-DNA position 1438, G replaced by A.
Protein change: p.Ala480Thr; replaces alanine 480 with threonine.
Molecular consequence: missense variant.
Genome position (GRCh38, 1-based): chr10:98,423,847, C>T on the plus strand (G>A on the coding strand, the complement: HPS1 is on the minus strand). VCF-style: chr10-98423847-C-T. GRCh37 (hg19) VCF-style: chr10-100183604-C-T.
Other names: c.1438G>A (NM_000195.4); c.466G>A, p.Ala156Thr (NM_001311345.2, NM_001322487.2, NM_001322489.2); c.1438G>A, p.Ala480Thr (NM_001322476.2, NM_001322477.2); c.1339G>A, p.Ala447Thr (NM_001322478.2, NM_001322479.2); c.1177G>A, p.Ala393Thr (NM_001322480.2, NM_001322481.2); c.1078G>A, p.Ala360Thr (NM_001322482.2); c.1069G>A, p.Ala357Thr (NM_001322483.2, NM_001322484.2); c.970G>A, p.Ala324Thr (NM_001322485.2); short protein forms A480T, A360T, A156T, A324T, A357T, A393T, A447T.
Identifiers: ClinVar variation 595509 (VCV000595509.16), dbSNP rs17109853, ClinGen allele CA5639021.

ClinVar aggregate classification (germline): Conflicting classifications of pathogenicity. Review status: criteria provided, conflicting classifications (1 of 4 stars). 5 submissions from 5 submitters: Uncertain significance (1); Likely benign (2). 2 of the submissions do not count toward it. Last evaluated 2026-01-18.

Conditions:
Hermansky-Pudlak syndrome (HPS). Also called: ALBINISM WITH HEMORRHAGIC DIATHESIS AND PIGMENTED RETICULOENDOTHELIAL CELLS. Identifiers: Orphanet 79430, MedGen C0079504, MONDO:0019312.
HPS1-related disorder. Also called: HPS1-related condition.

Allele frequency attached by ClinVar (database versions not stated): gnomAD exomes 0.00015; ExAC 0.00018; ESP Exome Variant Server 0.00038; TOPMed 0.00048; gnomAD 0.00052 and 0.00054; 1000 Genomes Project 0.00060; 1000 Genomes Project 30x 0.00078.
gnomAD v4.1: 190 of 1,613,838 alleles (0.012%); highest among the groups gnomAD compares: African/African-American, 0.22%; no homozygotes.

Submissions (5):

Labcorp Genetics (formerly Invitae), Labcorp
Classification: Likely benign. Last evaluated: 2026-01-18. Review status: criteria provided, single submitter. Criteria: Invitae Variant Classification Sherloc (09022015). Collection method: clinical testing. Allele origin: germline.

Blueprint Genetics
Classification: Likely benign. Last evaluated: 2024-08-21. Review status: criteria provided, single submitter. Criteria: ACMG Guidelines, 2015. Collection method: clinical testing. Allele origin: germline.

Eurofins Ntd Llc (ga)
Classification: Uncertain significance. Last evaluated: 2017-12-29. Review status: criteria provided, single submitter. Criteria: EGL Classification Definitions 2015. Collection method: clinical testing. Allele origin: germline. Observed: 1 variant allele, 1 heterozygote.

PreventionGenetics, part of Exact Sciences
Classification: Likely benign for HPS1-related condition. Last evaluated: 2024-04-23. Review status: no assertion criteria provided. Collection method: clinical testing. Allele origin: germline. Not counted in ClinVar's aggregate classification.
Comment: This variant is classified as likely benign based on ACMG/AMP sequence variant interpretation guidelines (Richards et al. 2015 PMID: 25741868, with internal and published modifications).

Natera, Inc.
Classification: Likely benign for Hermansky-Pudlak syndrome. Last evaluated: 2019-10-28. Review status: no assertion criteria provided. Collection method: clinical testing. Allele origin: germline. Not counted in ClinVar's aggregate classification.